The following is an entry in ClinVar:

ClinVar aggregate classification (germline): Likely pathogenic. Review status: criteria provided, single submitter (1 of 4 stars). 2 submissions from 2 submitters: Likely pathogenic (1). 1 of the submissions does not count toward it. Last evaluated 2020-05-28.

Conditions:
Neurodegeneration, childhood-onset, with cerebellar atrophy. Identifiers: MedGen C4748934, MONDO:0032650, OMIM 618276.
Neurodevelopmental disorder with cerebellar atrophy and with or without seizures. Identifiers: MedGen C4748032, MONDO:0020841, OMIM 618056.

Submissions (2):

Broad Center for Mendelian Genomics, Broad Institute of MIT and Harvard
Classification: Likely pathogenic for Neurodevelopmental disorder with cerebellar atrophy and with or without seizures. Last evaluated: 2020-05-28. Review status: criteria provided, single submitter. Criteria: ACMG Guidelines, 2015. Collection method: research. Allele origin: germline. Inheritance: Autosomal recessive inheritance.
Comment: The homozygous p.Gln748Ter variant in AGTPBP1was identified by our study in 3 siblings with childhood-onset neurodegeneration with cerebellar atrophy (PMID: 30420557). This variant has also been reported pathogenic by OMIM in ClinVar (Variation ID: 599368), and was absent from large population studies. The presence of this variant in affected homozygotes increases the likelihood that the p.Gln748Ter variant is pathogenic (PMID: 30420557). This nonsense variant leads to a premature termination codon at position 748, which is predicted to lead to a truncated or absent protein. While there is some evidence to suggest that loss of function of the AGTPBP1 gene is a disease mechanism in autosomal recessive childhood-onset neurodegeneration with cerebellar atrophy, this association is not yet strongly established based on the criteria laid out in Tayoun, 2018 (PMID: 30192042). In summary, although additional studies are required to fully establish its clinical significance, this variant is likely pathogenic. ACMG/AMP Criteria applied: PVS1_Strong, PM2, PM3_Supporting, PP1 (Richards 2015).

OMIM
Classification: Pathogenic for NEURODEGENERATION, CHILDHOOD-ONSET, WITH CEREBELLAR ATROPHY. Last evaluated: 2019-01-14. Review status: no assertion criteria provided. Collection method: literature only. Allele origin: germline. Not counted in ClinVar's aggregate classification.

Literature cited by the submitters: PubMed 30420557 (cited by Broad Center for Mendelian Genomics, Broad Institute of MIT and Harvard and OMIM).

NM_001330701.2(AGTPBP1):c.2362C>T (p.Gln788Ter)

Gene: AGTPBP1 (ATP/GTP binding carboxypeptidase 1; minus strand). Cytogenetic location: 9q21.33.
Variant type: single nucleotide variant.
Coding change: c.2362C>T on transcript NM_001330701.2 (MANE Select); coding-DNA position 2362, C replaced by T.
Protein change: p.Gln788Ter; replaces glutamine 788 with a stop codon.
Molecular consequence: nonsense.
Genome position (GRCh38, 1-based): chr9:85,596,423, G>A on the plus strand (C>T on the coding strand, the complement: AGTPBP1 is on the minus strand). VCF-style: chr9-85596423-G-A. GRCh37 (hg19) VCF-style: chr9-88211338-G-A.
Other names: c.2242C>T (NM_015239.2); c.2518C>T, p.Gln840Ter (NM_001286715.1); c.2398C>T, p.Gln800Ter (NM_001286717.1); c.2242C>T, p.Gln748Ter (NM_015239.3); short protein forms Q788*, Q748*, Q840*, Q800*.
Identifiers: ClinVar variation 599368 (VCV000599368.3), dbSNP rs1564046794, ClinGen allele CA373917594.